The following is an entry in ClinVar:

ClinVar aggregate classification (germline): Likely benign (1 of 4 stars; one submission).

gnomAD v4.1: 2 of 1,614,140 alleles (0.00012%); highest among the groups gnomAD compares: Non-Finnish European, 0.00017%; no homozygotes.

Submission:

CeGaT Center for Human Genetics Tuebingen
Classification: Likely benign. Last evaluated: 2025-11-01. Review status: criteria provided, single submitter. Criteria: CeGaT Center For Human Genetics Tuebingen Variant Classification Criteria Version 2. Collection method: clinical testing. Allele origin: germline. Affected: yes. Observed: 1 variant allele.
Comment: EP300: BP4, BP7

NM_001429.4(EP300):c.1569A>G (p.Gln523=)

Gene: EP300 (EP300 lysine acetyltransferase; plus strand). Cytogenetic location: 22q13.2.
Variant type: single nucleotide variant.
Coding change: c.1569A>G on transcript NM_001429.4 (MANE Select); coding-DNA position 1569, A replaced by G.
Protein change: p.Gln523=; no amino-acid change (glutamine 523 retained).
Molecular consequence: synonymous variant.
Genome position (GRCh38, 1-based): chr22:41,135,853, A>G. VCF-style: chr22-41135853-A-G. GRCh37 (hg19) VCF-style: chr22-41531857-A-G.
Other names: c.1569A>G, p.Gln523= (NM_001362843.2).
Identifiers: ClinVar variation 4681361 (VCV004681361.5).
Genomic context (GRCh38, chr22:41,135,853, plus strand): 5'-GTTATTTCATTTTGACTTAGGTGCTAGTCCTATGGGAGTAAATGGAGGTGTAGGAGTTCA[A>G]ACGCCGAGTCTTCTTTCTGACTCAATGTTGCATTCAGCCATAAATTCTCAAAAGTAAGTC-3'
Protein context (NP_001420.2, residues 513-533): PMGVNGGVGV[Gln523=]TPSLLSDSML